The following is an entry in ClinVar:

NM_017763.6(RNF43):c.480A>G (p.Pro160=)

Gene: RNF43 (ring finger protein 43; minus strand). Cytogenetic location: 17q22.
Variant type: single nucleotide variant.
Coding change: c.480A>G on transcript NM_017763.6 (MANE Select); coding-DNA position 480, A replaced by G.
Protein change: p.Pro160=; no amino-acid change (proline 160 retained).
Molecular consequence: synonymous variant.
Genome position (GRCh38, 1-based): chr17:58,363,377, T>C on the plus strand (A>G on the coding strand, the complement: RNF43 is on the minus strand). VCF-style: chr17-58363377-T-C. GRCh37 (hg19) VCF-style: chr17-56440738-T-C.
Other names: c.480A>G, p.Pro160= (NM_001305544.3); c.99A>G, p.Pro33= (NM_001305545.2).
Identifiers: ClinVar variation 3946834 (VCV003946834.2).

ClinVar aggregate classification (germline): Benign/Likely benign. Review status: criteria provided, multiple submitters, no conflicts (2 of 4 stars). 2 submissions from 2 submitters: Benign (1); Likely benign (1). Last evaluated 2026-06-30.

Conditions:
Sessile serrated polyposis cancer syndrome (SSPCS). Identifiers: Orphanet 157798, MedGen C4310714, MONDO:0014919, OMIM 617108.

gnomAD v4.1: 1 of 1,614,120 alleles (0.000062%); no homozygotes.

Submissions (2):

Myriad Genetics, Inc.
Classification: Benign for Sessile serrated polyposis cancer syndrome. Last evaluated: 2026-06-30. Review status: criteria provided, single submitter. Criteria: Myriad Autosomal Dominant, Autosomal Recessive and X-Linked Classification Criteria (2023). Collection method: clinical testing. Allele origin: unknown.
Comment: This variant is considered benign. This variant is a silent/synonymous amino acid change and it is not expected to impact splicing.

Ambry Genetics
Classification: Likely benign. Last evaluated: 2025-03-28. Review status: criteria provided, single submitter. Criteria: Ambry Variant Classification Scheme 2023. Collection method: clinical testing. Allele origin: germline.